The following is an entry in ClinVar:

NM_017662.5(TRPM6):c.5933C>T (p.Pro1978Leu)

Gene: TRPM6 (transient receptor potential cation channel subfamily M member 6; minus strand). Cytogenetic location: 9q21.13.
Variant type: single nucleotide variant.
Coding change: c.5933C>T on transcript NM_017662.5 (MANE Select); coding-DNA position 5933, C replaced by T.
Protein change: p.Pro1978Leu; replaces proline 1978 with leucine.
Molecular consequence: missense variant.
Genome position (GRCh38, 1-based): chr9:74,728,241, G>A on the plus strand (C>T on the coding strand, the complement: TRPM6 is on the minus strand). VCF-style: chr9-74728241-G-A. GRCh37 (hg19) VCF-style: chr9-77343157-G-A.
Other names: c.5918C>T, p.Pro1973Leu (NM_001177310.2, NM_001177311.2); short protein forms P1973L, P1978L.
Identifiers: ClinVar variation 1524549 (VCV001524549.6), dbSNP rs145398520, ClinGen allele CA5083667.

ClinVar aggregate classification (germline): Uncertain significance. Review status: criteria provided, multiple submitters, no conflicts (2 of 4 stars). 2 submissions from 2 submitters: Uncertain significance (2). Last evaluated 2024-01-23.

Conditions:
Intestinal hypomagnesemia 1. Also called: HYPOMAGNESEMIA, INTESTINAL, WITH SECONDARY HYPOCALCEMIA; HYPOMAGNESEMIC TETANY. Identifiers: Orphanet 30924, MedGen C1865974, MONDO:0011176, OMIM 602014.

Allele frequency attached by ClinVar (database versions not stated): gnomAD 0.00003; gnomAD exomes 0.00004; TOPMed 0.00004; ExAC 0.00005; ESP Exome Variant Server 0.00015.
gnomAD v4.1: 33 of 1,611,386 alleles (0.002%); highest among the groups gnomAD compares: South Asian, 0.016%; no homozygotes.

Submissions (2):

Fulgent Genetics
Classification: Uncertain significance for Intestinal hypomagnesemia 1. Last evaluated: 2024-01-23. Review status: criteria provided, single submitter. Criteria: ACMG Guidelines, 2015. Collection method: clinical testing. Allele origin: germline.

Labcorp Genetics (formerly Invitae), Labcorp
Classification: Uncertain significance. Last evaluated: 2023-11-27. Review status: criteria provided, single submitter. Criteria: Invitae Variant Classification Sherloc (09022015). Collection method: clinical testing. Allele origin: germline.
Comment: This sequence change replaces proline, which is neutral and non-polar, with leucine, which is neutral and non-polar, at codon 1978 of the TRPM6 protein (p.Pro1978Leu). This variant is present in population databases (rs145398520, gnomAD 0.02%). This variant has not been reported in the literature in individuals affected with TRPM6-related conditions. ClinVar contains an entry for this variant (Variation ID: 1524549). Algorithms developed to predict the effect of missense changes on protein structure and function output the following: SIFT: "Not Available"; PolyPhen-2: "Benign"; Align-GVGD: "Not Available". The leucine amino acid residue is found in multiple mammalian species, which suggests that this missense change does not adversely affect protein function. In summary, the available evidence is currently insufficient to determine the role of this variant in disease. Therefore, it has been classified as a Variant of Uncertain Significance.